The following is an entry in ClinVar:

ClinVar aggregate classification (germline): Uncertain significance. Review status: criteria provided, multiple submitters, no conflicts (2 of 4 stars). 2 submissions from 2 submitters: Uncertain significance (2). Last evaluated 2025-06-10.

Conditions:
Walker-Warburg congenital muscular dystrophy. Also called: Muscular dystrophy-dystroglycanopathy, type A; Walker-Warburg syndrome. Identifiers: Orphanet 899, MedGen C0265221, MONDO:0000171.
Cardiovascular phenotype. Identifiers: MedGen CN230736.

Allele frequency attached by ClinVar (database versions not stated): gnomAD exomes 0.00001.
gnomAD v4.1: 9 of 1,601,874 alleles (0.00056%); highest among the groups gnomAD compares: Non-Finnish European, 0.00076%; no homozygotes.

Submissions (2):

Ambry Genetics
Classification: Uncertain significance for Cardiovascular phenotype. Last evaluated: 2025-06-10. Review status: criteria provided, single submitter. Criteria: Ambry Variant Classification Scheme 2023. Collection method: clinical testing. Allele origin: germline.
Comment: The p.D60E variant (also known as c.180C>G), located in coding exon 1 of the FKRP gene, results from a C to G substitution at nucleotide position 180. The aspartic acid at codon 60 is replaced by glutamic acid, an amino acid with highly similar properties. This amino acid position is conserved. In addition, this alteration is predicted to be tolerated by in silico analysis. Since supporting evidence is limited at this time, the clinical significance of this alteration remains unclear.

Labcorp Genetics (formerly Invitae), Labcorp
Classification: Uncertain significance for Walker-Warburg congenital muscular dystrophy. Last evaluated: 2022-07-01. Review status: criteria provided, single submitter. Criteria: Invitae Variant Classification Sherloc (09022015). Collection method: clinical testing. Allele origin: germline.
Comment: This sequence change replaces aspartic acid, which is acidic and polar, with glutamic acid, which is acidic and polar, at codon 60 of the FKRP protein (p.Asp60Glu). This variant is not present in population databases (gnomAD no frequency). This variant has not been reported in the literature in individuals affected with FKRP-related conditions. Algorithms developed to predict the effect of missense changes on protein structure and function (SIFT, PolyPhen-2, Align-GVGD) all suggest that this variant is likely to be tolerated. In summary, the available evidence is currently insufficient to determine the role of this variant in disease. Therefore, it has been classified as a Variant of Uncertain Significance.

NM_024301.5(FKRP):c.180C>G (p.Asp60Glu)

Gene: FKRP (fukutin related protein; plus strand). Cytogenetic location: 19q13.32.
Variant type: single nucleotide variant.
Coding change: c.180C>G on transcript NM_024301.5 (MANE Select); coding-DNA position 180, C replaced by G.
Protein change: p.Asp60Glu; replaces aspartic acid 60 with glutamic acid.
Molecular consequence: missense variant.
Genome position (GRCh38, 1-based): chr19:46,755,630, C>G. VCF-style: chr19-46755630-C-G. GRCh37 (hg19) VCF-style: chr19-47258887-C-G.
Other names: c.180C>G, p.Asp60Glu (NM_001039885.3); short protein forms D60E.
Identifiers: ClinVar variation 1780541 (VCV001780541.5), dbSNP rs2513985814, ClinGen allele CA406494819.
Genomic context (GRCh38, chr19:46,755,630, plus strand): 5'-TCGTGCCTCTGCTGCCGGCCCCCGTGTCACCGTCCTGGTGCGGGAGTTCGAGGCATTTGA[C>G]AACGCGGTGCCCGAGCTGGTAGACTCCTTCCTGCAGCAAGACCCAGCCCAGCCCGTGGTG-3'
Protein context (NP_077277.1, residues 50-70): TVLVREFEAF[Asp60Glu]NAVPELVDSF